The following is an entry in ClinVar:

NM_198503.5(KCNT2):c.592C>G (p.Gln198Glu)

Gene: KCNT2 (potassium sodium-activated channel subfamily T member 2; minus strand). Cytogenetic location: 1q31.3.
Variant type: single nucleotide variant.
Coding change: c.592C>G on transcript NM_198503.5 (MANE Select); coding-DNA position 592, C replaced by G.
Protein change: p.Gln198Glu; replaces glutamine 198 with glutamic acid.
Molecular consequence: missense variant. On other transcripts: non-coding transcript variant (2).
Genome position (GRCh38, 1-based): chr1:196,465,339, G>C on the plus strand (C>G on the coding strand, the complement: KCNT2 is on the minus strand). VCF-style: chr1-196465339-G-C. GRCh37 (hg19) VCF-style: chr1-196434469-G-C.
Other names: c.592C>G, p.Gln198Glu (NM_001287819.3, NM_001287820.3); short protein forms Q198E.
Identifiers: ClinVar variation 4530813 (VCV004530813.1).

ClinVar aggregate classification (germline): Pathogenic (1 of 4 stars; one submission).

Submission:

GeneDx
Classification: Pathogenic. Last evaluated: 2025-05-22. Review status: criteria provided, single submitter. Criteria: GeneDx Variant Classification Process June 2021. Collection method: clinical testing. Allele origin: germline. Affected: yes.
Comment: Not observed at significant frequency in large population cohorts (gnomAD); In silico analysis supports that this missense variant has a deleterious effect on protein structure/function; This variant is associated with the following publications: (PMID: 38510274, 34276763, 37062836)